The following is an entry in ClinVar:

ClinVar aggregate classification (germline): Conflicting classifications of pathogenicity. Review status: criteria provided, conflicting classifications (1 of 4 stars). 18 submissions from 17 submitters: Uncertain significance (6); Benign (1); Likely benign (8). 3 of the submissions do not count toward it. Last evaluated 2026-09-01.

Conditions:
Cardiovascular phenotype. Identifiers: MedGen CN230736.
Hereditary cancer-predisposing syndrome. Also called: Neoplastic Syndromes, Hereditary; Tumor predisposition; Hereditary neoplastic syndrome; Hereditary Cancer Syndrome. Identifiers: Orphanet 140162, MedGen C0027672, MeSH D009386, MONDO:0015356.
NF1-related disorder. Also called: NF1-related condition. Identifiers: MedGen CN379171.
Hereditary cancer. Identifiers: MedGen C1333600.
Neurofibromatosis, type 1 (NF1). Also called: Neurofibromatosis, type I; Peripheral type neurofibromatosis; VON RECKLINGHAUSEN DISEASE; NEUROFIBROMATOSIS, TYPE I, SOMATIC. Identifiers: Orphanet 636, MedGen C0027831, MONDO:0018975, OMIM 162200. Disease mechanism: loss of function.
Intellectual disability. Also called: intellectual disabilities; Intellectual functioning disability; Intellectual developmental disorder. Identifiers: MedGen C3714756, MeSH D008607, MONDO:0001071, HP:0001249.

Allele frequency attached by ClinVar (database versions not stated): gnomAD exomes 0.00008 and 0.00020; gnomAD 0.00009 and 0.00017; ExAC 0.00012; TOPMed 0.00019.
gnomAD v4.1: 306 of 1,613,330 alleles (0.019%); highest among the groups gnomAD compares: Non-Finnish European, 0.024%; no homozygotes.

Submissions 1 to 12 of 18:

CeGaT Center for Human Genetics Tuebingen
Classification: Likely benign. Last evaluated: 2026-09-01. Review status: criteria provided, single submitter. Criteria: CeGaT Center For Human Genetics Tuebingen Variant Classification Criteria Version 2. Collection method: clinical testing. Allele origin: germline. Affected: yes. Observed: 4 variant alleles.
Comment: NF1: PP2, BS1

St. Jude Molecular Pathology, St. Jude Children's Research Hospital
Classification: Uncertain significance for Neurofibromatosis, type 1. Last evaluated: 2026-02-20. Review status: criteria provided, single submitter. Criteria: St. Jude Assertion Criteria 2020. Collection method: clinical testing. Allele origin: germline.
Comment: The NF1 c.6109A>G p.(Ile2037Val) missense change has a maximum subpopulation frequency of 0.016% in gnomAD v2.1.1. The in silico tool REVEL predicts a benign effect on protein function, but to our knowledge this prediction has not been confirmed by functional studies. This variant has been reported in individuals with Neurofibromatosis type 1 (LOVD database, PMID: 29290338). In one family with neurofibromatosis typ e 1, this variant was found to co-occur with a pathogenic NF1 mutation p.(Ala846Pro) in one affected individual but was absent in the other two affected family members who also carried the pathogenic variant (PMID: 29290338). In summary, the evidence cu rrently available is insufficient to determine the clinical significance of this variant. It has therefore been classified as of uncertain significance.

Labcorp Genetics (formerly Invitae), Labcorp
Classification: Benign for Neurofibromatosis, type 1. Last evaluated: 2026-02-01. Review status: criteria provided, single submitter. Criteria: Invitae Variant Classification Sherloc (09022015). Collection method: clinical testing. Allele origin: germline.

Women's Health and Genetics/Laboratory Corporation of America, LabCorp
Classification: Likely benign. Last evaluated: 2025-11-10. Review status: criteria provided, single submitter. Criteria: LabCorp Variant Classification Summary - May 2015. Collection method: clinical testing. Allele origin: germline.
Comment: Variant summary: NF1 c.6109A>G (p.Ile2037Val) results in a conservative amino acid change located in the outside of any known functional domain or repeat of the encoded protein sequence. Algorithms developed to predict the effect of missense changes on protein structure and function are either unavailable or do not agree on the potential impact of this missense change. The variant allele was found at a frequency of 8.4e-05 in 250150 control chromosomes, predominantly at a frequency of 0.00015 within the Non-Finnish European subpopulation in the gnomAD database. This frequency is not higher than the estimated maximum expected for a pathogenic variant in NF1 causing Neurofibromatosis Type 1 (0.00021), allowing no conclusion about variant significance. However, the variant is reported with a much higher occurrence in the Amish (11/910 alleles; a frequency of 0.012), suggesting that the variant might be a benign polymorphism. c.6109A>G has been observed in individuals affected with Neurofibromatosis Type 1 (Koczkowska_2018) or suspected RASopathy (Witkowski_2020); however, in one of these reports the variant was found in a family in the proband, and not found in two affected family members, while all affected family members had a (likely) pathogenic variant, which segregated with the disease phenotype (Koczkowska_2018). In addition, the variant was reported in patients with breast cancer (Dorling_2021), but was also found in healthy controls (Bodian_2014, Dorling_2021). To our knowledge, no experimental evidence demonstrating an impact on protein function has been reported. The following publications have been ascertained in the context of this evaluation (PMID: 27069254, 10678181, 24728327, 23460398, 33471991, 29290338, 32107864, 29684080). ClinVar contains an entry for this variant (Variation ID: 134887). Based on the evidence outlined above, the variant was classified as likely benign.

Blueprint Genetics
Classification: Likely benign. Last evaluated: 2024-10-11. Review status: criteria provided, single submitter. Criteria: ACMG Guidelines, 2015. Collection method: clinical testing. Allele origin: germline.

Mendelics
Classification: Likely benign for Hereditary cancer. Last evaluated: 2024-09-11. Review status: criteria provided, single submitter. Criteria: ACMG Guidelines, 2015. Collection method: clinical testing. Allele origin: unknown.
Comment: This variant is considered likely benign or benign based on one or more of the following: it is predicted to be benign by multiple in silico algorithms, and/or has population frequency not consistent with disease, and/or has normal protein function, and/or has lack of segregation with disease, and/or has been detected in co-occurrence with known pathogenic variant, and/or has lack of disease association in case-control studies, and/or is located in a region inconsistent with a known cause of pathogenicity.

Institute of Human Genetics, University of Leipzig Medical Center
Classification: Uncertain significance for Neurofibromatosis, type 1. Last evaluated: 2022-04-28. Review status: criteria provided, single submitter. Criteria: ACMG Guidelines, 2015. Collection method: clinical testing. Allele origin: unknown. Affected: yes.
Comment: _x000D_ Criteria applied: PP2

Sema4
Classification: Uncertain significance for Hereditary cancer-predisposing syndrome. Last evaluated: 2021-12-08. Review status: criteria provided, single submitter. Criteria: Sema4 Curation Guidelines. Collection method: curation. Allele origin: germline.
Comment: The NF1 c.6109A>G (p.I2037V) variant has been reported in heterozygosity in at least one individual with features of neurofibromatosis type 1 (PMID: 29290338). It has also been reported in individuals with breast and thyroid cancer, as well as in healthy individuals (PMID: 33471991, 29684080, 24728327). This variant was observed in 21/128370 chromosomes in the European (non-Finnish) population, with no homozygotes, according to the Genome Aggregation Database (PMID: 32461654). The variant has been reported in ClinVar (Variation ID: 134887). Functional studies have not been performed, and in silico predictions of the variant's effect on protein function are inconclusive. Based on the current evidence available, this variant is interpreted as a variant of uncertain significance.

Genetic Services Laboratory, University of Chicago
Classification: Uncertain significance. Last evaluated: 2020-12-24. Review status: criteria provided, single submitter. Criteria: ACMG Guidelines, 2015. Collection method: clinical testing. Allele origin: germline. Affected: no.
Comment: DNA sequence analysis of the NF1 gene demonstrated a sequence change, c.6109A>G, in exon 41 that results in an amino acid change, p.Ile2037Val. This sequence change does not appear to have been previously described in patients with NF1-related disorders and has been described in the gnomAD database with a low population frequency of 0.016% in non-Finnish European subpopulation (dbSNP rs201712827). The p.Ile2037Val change affects a moderately conserved amino acid residue located in a domain of the NF1 protein that is known to be functional. In-silico pathogenicity prediction tools (SIFT, PolyPhen2, Align GVGD, REVEL) provide contradictory results for the p.Ile2037Val substitution. Due to these contrasting evidences and the lack of functional studies, the clinical significance of the p.Ile2037Val change remains unknown at this time.

GeneDx
Classification: Likely benign. Last evaluated: 2019-04-30. Review status: criteria provided, single submitter. Criteria: GeneDx Variant Classification Process June 2021. Collection method: clinical testing. Allele origin: germline. Affected: yes.
Comment: This variant is associated with the following publications: (PMID: 32107864, 24728327)

Cambridge Genomics Laboratory, East Genomic Laboratory Hub, NHS Genomic Medicine Service
Classification: Likely benign for Intellectual disability. Last evaluated: 2019-04-17. Review status: criteria provided, single submitter. Criteria: ACGS Best Practice Guidelines for Variant Classification in Rare Disease 2020. Collection method: clinical testing. Allele origin: germline. Affected: yes. Observed: 1 variant allele.

Centre for Mendelian Genomics, University Medical Centre Ljubljana
Classification: Uncertain significance for Neurofibromatosis, type 1. Last evaluated: 2019-02-20. Review status: criteria provided, single submitter. Criteria: ACMG Guidelines, 2015. Collection method: clinical testing. Allele origin: unknown. Affected: yes.
Comment: This variant was classified as: Uncertain significance. The available evidence on this variant's pathogenicity is insufficient or conflicting. The following ACMG criteria were applied in classifying this variant: PP3.

NM_001042492.3(NF1):c.6172A>G (p.Ile2058Val)

Gene: NF1 (neurofibromin 1; plus strand). Cytogenetic location: 17q11.2.
Variant type: single nucleotide variant.
Coding change: c.6172A>G on transcript NM_001042492.3 (MANE Select); coding-DNA position 6172, A replaced by G.
Protein change: p.Ile2058Val; replaces isoleucine 2058 with valine.
Molecular consequence: missense variant.
Genome position (GRCh38, 1-based): chr17:31,336,659, A>G. VCF-style: chr17-31336659-A-G. GRCh37 (hg19) VCF-style: chr17-29663677-A-G.
Other names: c.6109A>G, p.Ile2037Val (NM_000267.4); short protein forms I2037V, I2058V.
Identifiers: ClinVar variation 134887 (VCV000134887.56), dbSNP rs201712827, ClinGen allele CA161055.
Genomic context (GRCh38, chr17:31,336,659, plus strand): 5'-TTTTTTTTTAAAAAAAAAAATCCTGCTTCTTTACAGGTTATTGGAAGGATGTGCAAAATA[A>G]TTGACAAGACATGCTTATCTCCAACTCCTACTTTAGAACAACATCTTATGTGGGATGATA-3'
Protein context (NP_001035957.1, residues 2048-2068): SKVIGRMCKI[Ile2058Val]DKTCLSPTPT